The following is an entry in ClinVar:

ClinVar aggregate classification (germline): Uncertain significance (1 of 4 stars; one submission).

Conditions:
Combined malonic and methylmalonic acidemia. Identifiers: Orphanet 289504, MedGen C3280314, MONDO:0013661, OMIM 614265.

gnomAD v4.1: 30 of 1,613,928 alleles (0.0019%); highest among the groups gnomAD compares: African/African-American, 0.021%; no homozygotes.

Submission:

Labcorp Genetics (formerly Invitae), Labcorp
Classification: Uncertain significance for Combined malonic and methylmalonic acidemia. Last evaluated: 2025-08-12. Review status: criteria provided, single submitter. Criteria: Invitae Variant Classification Sherloc (09022015). Collection method: clinical testing. Allele origin: germline.
Comment: This sequence change replaces serine, which is neutral and polar, with leucine, which is neutral and non-polar, at codon 332 of the ACSF3 protein (p.Ser332Leu). This variant is present in population databases (rs373670668, gnomAD 0.01%). This variant has not been reported in the literature in individuals affected with ACSF3-related conditions. Invitae Evidence Modeling of protein sequence and biophysical properties (such as structural, functional, and spatial information, amino acid conservation, physicochemical variation, residue mobility, and thermodynamic stability) indicates that this missense variant is expected to disrupt ACSF3 protein function with a positive predictive value of 95%. In summary, the available evidence is currently insufficient to determine the role of this variant in disease. Therefore, it has been classified as a Variant of Uncertain Significance.

NM_001243279.3(ACSF3):c.995C>T (p.Ser332Leu)

Genes: ACSF3 (acyl-CoA synthetase family member 3; plus strand), LOC125177393 (P300/CBP strongly-dependent group 1 enhancer GRCh37_chr16:89180375-89181574; plus strand). Cytogenetic location: 16q24.3.
Variant type: single nucleotide variant.
Coding change: c.995C>T on transcript NM_001243279.3 (MANE Select); coding-DNA position 995, C replaced by T.
Protein change: p.Ser332Leu; replaces serine 332 with leucine.
Molecular consequence: missense variant. On other transcripts: non-coding transcript variant (2).
Genome position (GRCh38, 1-based): chr16:89,114,356, C>T. VCF-style: chr16-89114356-C-T. GRCh37 (hg19) VCF-style: chr16-89180764-C-T.
Other names: c.995C>T, p.Ser332Leu (NM_001127214.4, NM_174917.5); c.200C>T, p.Ser67Leu (NM_001284316.2); short protein forms S67L, S332L.
Identifiers: ClinVar variation 4736877 (VCV004736877.1).